The following is an entry in ClinVar:

ClinVar aggregate classification (germline): Uncertain significance. Review status: criteria provided, single submitter (1 of 4 stars). 2 submissions from 2 submitters: Uncertain significance (1). 1 of the submissions does not count toward it. Last evaluated 2025-01-11.

Conditions:
Left ventricular noncompaction 1 (LVNC1). Also called: LEFT VENTRICULAR NONCOMPACTION 1 WITH OR WITHOUT CONGENITAL HEART DEFECTS. Identifiers: Orphanet 54260, MedGen C1858725, MONDO:0011403, OMIM 604169.

Allele frequency attached by ClinVar (database versions not stated): ExAC 0.00001; gnomAD 0.00002; TOPMed 0.00002; gnomAD exomes 0.00002.
gnomAD v4.1: 33 of 1,613,832 alleles (0.002%); highest among the groups gnomAD compares: East Asian, 0.022%; no homozygotes.

Submissions (2):

Labcorp Genetics (formerly Invitae), Labcorp
Classification: Uncertain significance for Left ventricular noncompaction 1. Last evaluated: 2025-01-11. Review status: criteria provided, single submitter. Criteria: Invitae Variant Classification Sherloc (09022015). Collection method: clinical testing. Allele origin: germline.
Comment: This sequence change replaces proline, which is neutral and non-polar, with leucine, which is neutral and non-polar, at codon 121 of the DTNA protein (p.Pro121Leu). This variant is present in population databases (rs104894654, gnomAD 0.01%). This missense change has been observed in individual(s) with clinical features of DTNA-related conditions (PMID: 11238270, 35087879). It has also been observed to segregate with disease in related individuals. ClinVar contains an entry for this variant (Variation ID: 8306). An algorithm developed to predict the effect of missense changes on protein structure and function (PolyPhen-2) suggests that this variant is likely to be tolerated. In summary, the available evidence is currently insufficient to determine the role of this variant in disease. Therefore, it has been classified as a Variant of Uncertain Significance.

OMIM
Classification: Pathogenic for LEFT VENTRICULAR NONCOMPACTION 1. Last evaluated: 2001-03-06. Review status: no assertion criteria provided. Collection method: literature only. Allele origin: germline. Not counted in ClinVar's aggregate classification.

Literature cited by the submitters: PubMed 11238270 (cited by Labcorp Genetics (formerly Invitae), Labcorp and OMIM); PubMed 35087879 (cited by Labcorp Genetics (formerly Invitae), Labcorp).

NM_001386795.1(DTNA):c.362C>T (p.Pro121Leu)

Gene: DTNA (dystrobrevin alpha; plus strand). Cytogenetic location: 18q12.1.
Variant type: single nucleotide variant.
Coding change: c.362C>T on transcript NM_001386795.1 (MANE Select); coding-DNA position 362, C replaced by T.
Protein change: p.Pro121Leu; replaces proline 121 with leucine.
Molecular consequence: missense variant.
Genome position (GRCh38, 1-based): chr18:34,794,250, C>T. VCF-style: chr18-34794250-C-T. GRCh37 (hg19) VCF-style: chr18-32374214-C-T.
Other names: c.362C>T, p.Pro121Leu (NM_001386767.1, NM_001386768.1, NM_001386769.1 and 35 more transcripts); short protein forms P121L.
Identifiers: ClinVar variation 8306 (VCV000008306.5), dbSNP rs104894654, ClinGen allele CA119464.